The following is an entry in ClinVar:

ClinVar aggregate classification (germline): Uncertain significance (1 of 4 stars; one submission).

Conditions:
Mucopolysaccharidosis, MPS-III-A (MPS3A). Also called: HEPARAN SULFATE SULFATASE DEFICIENCY; SANFILIPPO SYNDROME A; SULFAMIDASE DEFICIENCY; MPS III A; Mucopolysaccharidosis type IIIA (Sanfilippo A); Mucopolysaccharidosis, type IIIA. Identifiers: Orphanet 581, Orphanet 79269, MedGen C0086647, MONDO:0009655, OMIM 252900.

Allele frequency attached by ClinVar (database versions not stated): gnomAD 0.00006; TOPMed 0.00003; ExAC 0.00003; gnomAD exomes 0.00009; ESP Exome Variant Server 0.00015.
gnomAD v4.1: 139 of 1,612,004 alleles (0.0086%); highest among the groups gnomAD compares: Non-Finnish European, 0.01%; no homozygotes.

Submission:

Labcorp Genetics (formerly Invitae), Labcorp
Classification: Uncertain significance for Mucopolysaccharidosis, MPS-III-A. Last evaluated: 2022-09-29. Review status: criteria provided, single submitter. Criteria: Invitae Variant Classification Sherloc (09022015). Collection method: clinical testing. Allele origin: germline.
Comment: This sequence change replaces arginine, which is basic and polar, with tryptophan, which is neutral and slightly polar, at codon 105 of the SGSH protein (p.Arg105Trp). This variant is present in population databases (rs375755239, gnomAD 0.01%). This variant has not been reported in the literature in individuals affected with SGSH-related conditions. Advanced modeling of protein sequence and biophysical properties (such as structural, functional, and spatial information, amino acid conservation, physicochemical variation, residue mobility, and thermodynamic stability) has been performed at Invitae for this missense variant, however the output from this modeling did not meet the statistical confidence thresholds required to predict the impact of this variant on SGSH protein function. In summary, the available evidence is currently insufficient to determine the role of this variant in disease. Therefore, it has been classified as a Variant of Uncertain Significance.

NM_000199.5(SGSH):c.313C>T (p.Arg105Trp)

Gene: SGSH (N-sulfoglucosamine sulfohydrolase; minus strand). Cytogenetic location: 17q25.3.
Variant type: single nucleotide variant.
Coding change: c.313C>T on transcript NM_000199.5 (MANE Select); coding-DNA position 313, C replaced by T.
Protein change: p.Arg105Trp; replaces arginine 105 with tryptophan.
Molecular consequence: missense variant.
Genome position (GRCh38, 1-based): chr17:80,215,075, G>A on the plus strand (C>T on the coding strand, the complement: SGSH is on the minus strand). VCF-style: chr17-80215075-G-A. GRCh37 (hg19) VCF-style: chr17-78188874-G-A.
Other names: c.313C>T, p.Arg105Trp (NM_001352921.3, NM_001352922.2); short protein forms R105W.
Identifiers: ClinVar variation 2040137 (VCV002040137.1), dbSNP rs375755239, ClinGen allele CA8818087.